The following is an entry in ClinVar:

NM_001482.3(GATM):c.*847G>A

Gene: GATM (glycine amidinotransferase; minus strand). Cytogenetic location: 15q21.1.
Variant type: single nucleotide variant.
Coding change: c.*847G>A on transcript NM_001482.3 (MANE Select); 847 bases downstream of the stop codon, G replaced by A.
Molecular consequence: 3 prime UTR variant.
Genome position (GRCh38, 1-based): chr15:45,361,262, C>T on the plus strand (G>A on the coding strand, the complement: GATM is on the minus strand). VCF-style: chr15-45361262-C-T. GRCh37 (hg19) VCF-style: chr15-45653460-C-T.
Other names: c.*847G>A (NM_001321015.2).
Identifiers: ClinVar variation 316202 (VCV000316202.6), dbSNP rs1145087, ClinGen allele CA10646088.

ClinVar aggregate classification (germline): Benign. Review status: reviewed by expert panel (3 of 4 stars). 2 submissions from 2 submitters: Benign (1). 1 of the submissions does not count toward it. Last evaluated 2022-06-06.

Conditions:
Arginine:glycine amidinotransferase deficiency (CCDS3). Also called: Creatine deficiency syndrome due to AGAT deficiency; GATM deficiency; Cerebral creatine deficiency syndrome 3; L-Arginine:Glycine Amidinotransferase (AGAT) Deficiency; AGAT deficiency; L-Arginine:Glycine Amidinotransferase Deficiency. Identifiers: Orphanet 35704, MedGen C2675179, MONDO:0012996, OMIM 612718.

Allele frequency attached by ClinVar (database versions not stated): gnomAD 0.00417 and 0.00446; 1000 Genomes Project 0.00459; TOPMed 0.00478; 1000 Genomes Project 30x 0.00531.

Submissions (2):

ClinGen Cerebral Creatine Deficiency Syndromes Variant Curation Expert Panel, ClinGen
Classification: Benign for Arginine:glycine amidinotransferase deficiency. Last evaluated: 2022-06-06. Review status: reviewed by expert panel. Criteria: ClinGen_CCDS_ACMG_Specifications_GATM_v1.1. Collection method: curation. Allele origin: germline. Inheritance: Autosomal recessive inheritance.
Comment: The NM_001482.3:c.*847G>A variant is a single nucleotide substitution in the 3'UTR of GATM. Because the variant is located in the 3'UTR, it is not expected to alter the amino acid sequence. The highest population minor allele frequency in gnomAD v2.1.1 is 0.01493 (130/8702 alleles) in the African population, which is higher than the ClinGen CCDS VCEP’s threshold for BA1 (>0.0005), and therefore meets this criterion (BA1). There is a ClinVar entry for this variant (Variation ID: 316202). In summary, this variant meets the criteria to be classified as benign for AGAT deficiency based on the ACMG/AMP criteria applied, as specified by the ClinGen Cerebral Creatine Deficiency Syndromes Variant Curation Expert Panel (Specifications Version 1.1.0): BA1. (Classification approved by the ClinGen CCDS VCEP on June 6, 2022).

Illumina Laboratory Services, Illumina
Classification: Benign for Arginine:glycine amidinotransferase deficiency. Last evaluated: 2018-01-12. Review status: criteria provided, single submitter. Criteria: ICSL Variant Classification Criteria 13 December 2019. Collection method: clinical testing. Allele origin: germline. Not counted in ClinVar's aggregate classification.
Comment: This variant was observed in the ICSL laboratory as part of a predisposition screen in an ostensibly healthy population. It had not been previously curated by ICSL or reported in the Human Gene Mutation Database (HGMD: prior to June 1st, 2018), and was therefore a candidate for classification through an automated scoring system. Utilizing variant allele frequency, disease prevalence and penetrance estimates, and inheritance mode, an automated score was calculated to assess if this variant is too frequent to cause the disease. Based on the score and internal cut-off values, a variant classified as benign is not then subjected to further curation. The score for this variant resulted in a classification of benign for this disease.